The following is an entry in ClinVar:

NM_130468.4(CHST14):c.1059del (p.Lys354fs)

Gene: CHST14 (carbohydrate sulfotransferase 14; plus strand). Cytogenetic location: 15q15.1.
Variant type: Deletion.
Coding change: c.1059del on transcript NM_130468.4 (MANE Select); coding-DNA position 1059, one base deleted (T; older notation c.1059delT).
Protein change: p.Lys354fs; shifts the reading frame from lysine 354.
Molecular consequence: frameshift variant.
Genome position (GRCh38, 1-based): chr15:40,472,272, T deleted. VCF-style (leftmost placement, unchanged base first): chr15-40472271-CT-C. GRCh37 (hg19) VCF-style: chr15-40764470-CT-C.
Other names: c.1059delT (NM_130468.4); short protein forms K354fs.
Identifiers: ClinVar variation 3768193 (VCV003768193.1).

ClinVar aggregate classification (germline): Uncertain significance (1 of 4 stars; one submission).

Submission:

Women's Health and Genetics/Laboratory Corporation of America, LabCorp
Classification: Uncertain significance. Last evaluated: 2024-12-09. Review status: criteria provided, single submitter. Criteria: LabCorp Variant Classification Summary - May 2015. Collection method: clinical testing. Allele origin: germline.
Comment: Variant summary: CHST14 c.1059delT (p.Lys354SerfsX80) causes a frameshift which results in an extension of the protein. The frequency data for this variant in gnomAD is considered unreliable, as metrics indicate poor data quality at this position. To our knowledge, no occurrence of c.1059delT in individuals affected with Ehlers-Danlos syndrome, musculocontractural type and no experimental evidence demonstrating its impact on protein function have been reported. No submitters have cited clinical-significance assessments for this variant to ClinVar. Based on the evidence outlined above, the variant was classified as uncertain significance.